The following is an entry in ClinVar:

ClinVar aggregate classification (germline): Uncertain significance (1 of 4 stars; one submission).

Submission:

Labcorp Genetics (formerly Invitae), Labcorp
Classification: Uncertain significance. Last evaluated: 2024-08-11. Review status: criteria provided, single submitter. Criteria: Invitae Variant Classification Sherloc (09022015). Collection method: clinical testing. Allele origin: germline.
Comment: This sequence change creates a premature translational stop signal (p.Lys183Ilefs*10) in the TM4SF20 gene. While this is not anticipated to result in nonsense mediated decay, it is expected to disrupt the last 47 amino acid(s) of the TM4SF20 protein. This variant is not present in population databases (gnomAD no frequency). This variant has not been reported in the literature in individuals affected with TM4SF20-related conditions. Experimental studies and prediction algorithms are not available or were not evaluated, and the functional significance of this variant is currently unknown. In summary, the available evidence is currently insufficient to determine the role of this variant in disease. Therefore, it has been classified as a Variant of Uncertain Significance.

NM_024795.4(TM4SF20):c.548_551del (p.Lys183fs)

Gene: TM4SF20 (transmembrane 4 L six family member 20; minus strand). Cytogenetic location: 2q36.3.
Variant type: Microsatellite.
Coding change: c.548_551del on transcript NM_024795.4 (MANE Select); coding-DNA positions 548 to 551, 4 bases deleted (AACA; older notation c.548_551delAACA).
Protein change: p.Lys183fs; shifts the reading frame from lysine 183.
Molecular consequence: frameshift variant.
Genome position (GRCh38, 1-based): chr2:227,363,863-227,363,866, TGTT deleted on the plus strand (AACA on the coding strand, the reverse complement: TM4SF20 is on the minus strand); deleting any 4 consecutive bases within chr2:227,363,863-227,363,871 gives the same sequence; the c. name uses the placement nearest the transcript's 3' end. VCF-style (leftmost placement, unchanged base first): chr2-227363862-ATGTT-A. GRCh37 (hg19) VCF-style: chr2-228228578-ATGTT-A.
Other names: short protein forms K183fs.
Identifiers: ClinVar variation 3609900 (VCV003609900.2).